The following is an entry in ClinVar:

ClinVar aggregate classification (germline): Pathogenic (1 of 4 stars; one submission).

Conditions:
Generalized juvenile polyposis/juvenile polyposis coli. Also called: Juvenile polyposis coli. Identifiers: Orphanet 329971, MedGen C1868081, MONDO:0008276.

Submission:

Labcorp Genetics (formerly Invitae), Labcorp
Classification: Pathogenic for Juvenile polyposis syndrome. Last evaluated: 2018-10-22. Review status: criteria provided, single submitter. Criteria: Invitae Variant Classification Sherloc (09022015). Collection method: clinical testing. Allele origin: germline.
Comment: This sequence change creates a premature translational stop signal (p.Ala51Hisfs*9) in the BMPR1A gene. It is expected to result in an absent or disrupted protein product. This variant is not present in population databases (ExAC no frequency). This variant has not been reported in the literature in individuals with BMPR1A-related disease. Loss-of-function variants in BMPR1A are known to be pathogenic (PMID: 11536076, 12417513). For these reasons, this variant has been classified as Pathogenic.

NM_004329.3(BMPR1A):c.150del (p.Ala51fs)

Gene: BMPR1A (bone morphogenetic protein receptor type 1A; plus strand). Cytogenetic location: 10q23.2.
Variant type: Deletion.
Coding change: c.150del on transcript NM_004329.3 (MANE Select); coding-DNA position 150, one base deleted (A; older notation c.150delA).
Protein change: p.Ala51fs; shifts the reading frame from alanine 51.
Molecular consequence: frameshift variant.
Genome position (GRCh38, 1-based): chr10:86,890,144, A deleted. VCF-style (leftmost placement, unchanged base first): chr10-86890143-TA-T. GRCh37 (hg19) VCF-style: chr10-88649900-TA-T.
Other names: c.150delA (NM_004329.2); short protein forms A51fs.
Identifiers: ClinVar variation 644109 (VCV000644109.1), dbSNP rs1589763393, ClinGen allele CA915947531.